The following is an entry in ClinVar:

ClinVar aggregate classification (germline): Uncertain significance (1 of 4 stars; one submission).

Conditions:
Sulfite oxidase deficiency. Also called: Isolated sulfite oxidase deficiency. Identifiers: Orphanet 833, Orphanet 99731, MedGen C0268624, MONDO:0010089, OMIM 272300, HP:0003643.

Allele frequency attached by ClinVar (database versions not stated): TOPMed below 0.00001; gnomAD 0.00001.
gnomAD v4.1: 1 of 1,614,094 alleles (0.000062%); highest among the groups gnomAD compares: African/African-American, 0.0013%; no homozygotes.

Submission:

Labcorp Genetics (formerly Invitae), Labcorp
Classification: Uncertain significance for Sulfite oxidase deficiency. Last evaluated: 2022-01-18. Review status: criteria provided, single submitter. Criteria: Invitae Variant Classification Sherloc (09022015). Collection method: clinical testing. Allele origin: germline.
Comment: This variant is not present in population databases (gnomAD no frequency). This variant has not been reported in the literature in individuals affected with SUOX-related conditions. Algorithms developed to predict the effect of missense changes on protein structure and function are either unavailable or do not agree on the potential impact of this missense change (SIFT: "Deleterious"; PolyPhen-2: "Benign"; Align-GVGD: "Class C15"). In summary, the available evidence is currently insufficient to determine the role of this variant in disease. Therefore, it has been classified as a Variant of Uncertain Significance. This sequence change replaces phenylalanine, which is neutral and non-polar, with leucine, which is neutral and non-polar, at codon 403 of the SUOX protein (p.Phe403Leu).

NM_001032386.2(SUOX):c.1209C>G (p.Phe403Leu)

Gene: SUOX (sulfite oxidase; plus strand). Cytogenetic location: 12q13.2.
Variant type: single nucleotide variant.
Coding change: c.1209C>G on transcript NM_001032386.2 (MANE Select); coding-DNA position 1209, C replaced by G.
Protein change: p.Phe403Leu; replaces phenylalanine 403 with leucine.
Molecular consequence: missense variant.
Genome position (GRCh38, 1-based): chr12:56,004,598, C>G. VCF-style: chr12-56004598-C-G. GRCh37 (hg19) VCF-style: chr12-56398382-C-G.
Other names: c.1209C>G, p.Phe403Leu (NM_000456.3, NM_001032387.2); short protein forms F403L.
Identifiers: ClinVar variation 2087807 (VCV002087807.4), dbSNP rs1252089438, ClinGen allele CA385292185.
Genomic context (GRCh38, chr12:56,004,598, plus strand): 5'-AGTGAGTGTGCAGCCAGAGGAAAGTTACAGCCACTGGCAACGGCGGGATTACAAAGGCTT[C>G]TCTCCATCTGTGGACTGGGAGACTGTAGATTTTGACTCTGCTCCATCCATTCAGGAACTT-3'
Protein context (NP_001027558.1, residues 393-413): SHWQRRDYKG[Phe403Leu]SPSVDWETVD